The following is an entry in ClinVar:

ClinVar aggregate classification (germline): Pathogenic. Review status: criteria provided, multiple submitters, no conflicts (2 of 4 stars). 3 submissions from 3 submitters: Pathogenic (3). Last evaluated 2022-06-25.

Conditions:
Hereditary cancer-predisposing syndrome. Also called: Neoplastic Syndromes, Hereditary; Hereditary Cancer Syndrome; Hereditary neoplastic syndrome; Tumor predisposition. Identifiers: Orphanet 140162, MedGen C0027672, MeSH D009386, MONDO:0015356.
Hereditary breast ovarian cancer syndrome. Also called: Hereditary breast and ovarian cancer syndrome (HBOC); Hereditary breast and ovarian cancer syndrome; Breast and ovarian cancer; Hereditary breast and/or ovarian cancer syndrome; Hereditary breast and ovarian cancer; BRCA1- and BRCA2-Associated Hereditary Breast and Ovarian Cancer. Identifiers: Orphanet 145, MedGen C0677776, MeSH D061325, MONDO:0003582. Disease mechanism: loss of function.

Submissions (3):

Revvity Omics, Revvity
Classification: Pathogenic. Last evaluated: 2022-06-25. Review status: criteria provided, single submitter. Criteria: ACMG Guidelines, 2015. Collection method: clinical testing. Allele origin: germline.

Labcorp Genetics (formerly Invitae), Labcorp
Classification: Pathogenic for Hereditary breast ovarian cancer syndrome. Last evaluated: 2021-12-12. Review status: criteria provided, single submitter. Criteria: Invitae Variant Classification Sherloc (09022015). Collection method: clinical testing. Allele origin: germline.
Comment: ClinVar contains an entry for this variant (Variation ID: 462372). For these reasons, this variant has been classified as Pathogenic. This premature translational stop signal has been observed in individual(s) with ovarian or peritoneal cancer (PMID: 20406939). This variant is not present in population databases (gnomAD no frequency). This sequence change creates a premature translational stop signal (p.Asn1766Lysfs*2) in the BRCA2 gene. It is expected to result in an absent or disrupted protein product. Loss-of-function variants in BRCA2 are known to be pathogenic (PMID: 20104584).

Ambry Genetics
Classification: Pathogenic for Hereditary cancer-predisposing syndrome. Last evaluated: 2020-10-23. Review status: criteria provided, single submitter. Criteria: Ambry Variant Classification Scheme 2023. Collection method: clinical testing. Allele origin: germline.
Comment: The c.5297dupA pathogenic mutation, located in coding exon 10 of the BRCA2 gene, results from a duplication of A at nucleotide position 5297, causing a translational frameshift with a predicted alternate stop codon (p.N1766Kfs*2). This mutation was reported in multiple cohorts of individuals with breast and/or ovarian cancer (Gourley C et al. J. Clin. Oncol., 2010 May;28:2505-11; Lang GT et al. Int J Cancer, 2017 07;141:129-142; Bhaskaran SP et al. Int J Cancer, 2019 08;145:962-973). In addition to the clinical data presented in the literature, this alteration is expected to result in loss of function by premature protein truncation or nonsense-mediated mRNA decay. As such, this alteration is interpreted as a disease-causing mutation.

Literature cited by the submitters: PubMed 20406939 (cited by Labcorp Genetics (formerly Invitae), Labcorp and Ambry Genetics); PubMed 20104584 (cited by Labcorp Genetics (formerly Invitae), Labcorp); PubMed 28294317 (cited by Ambry Genetics); PubMed 30702160 (cited by Ambry Genetics).

NM_000059.4(BRCA2):c.5297dup (p.Asn1766fs)

Gene: BRCA2 (BRCA2 DNA repair associated; plus strand). Cytogenetic location: 13q13.1.
Variant type: Duplication.
Coding change: c.5297dup on transcript NM_000059.4 (MANE Select); coding-DNA position 5297, one base duplicated (A; older notation c.5297dupA).
Protein change: p.Asn1766fs; shifts the reading frame from asparagine 1766.
Molecular consequence: frameshift variant.
Genome position (GRCh38, 1-based): chr13:32,339,652, A duplicated; the last of 6 consecutive A bases (chr13:32,339,647-32,339,652); duplicating any one gives the same sequence. VCF-style (leftmost placement, unchanged base first): chr13-32339646-C-CA. GRCh37 (hg19) VCF-style: chr13-32913783-C-CA.
Other names: c.5297dupA (NM_000059.3); short protein forms N1766fs.
Identifiers: ClinVar variation 462372 (VCV000462372.18), dbSNP rs1555284157, ClinGen allele CA658656391.